The following is an entry in ClinVar:

ClinVar aggregate classification (germline): Likely benign (1 of 4 stars; one submission).

gnomAD v4.1: 21 of 1,613,944 alleles (0.0013%); highest among the groups gnomAD compares: South Asian, 0.0022%; no homozygotes.

Submission:

CeGaT Center for Human Genetics Tuebingen
Classification: Likely benign. Last evaluated: 2026-04-01. Review status: criteria provided, single submitter. Criteria: CeGaT Center For Human Genetics Tuebingen Variant Classification Criteria Version 2. Collection method: clinical testing. Allele origin: germline. Affected: yes. Observed: 1 variant allele.
Comment: ATP11A: BP4, BP7

NM_015205.3(ATP11A):c.3216C>T (p.Ser1072=)

Gene: ATP11A (ATPase phospholipid transporting 11A; plus strand). Cytogenetic location: 13q34.
Variant type: single nucleotide variant.
Coding change: c.3216C>T on transcript NM_015205.3 (MANE Select); coding-DNA position 3216, C replaced by T.
Protein change: p.Ser1072=; no amino-acid change (serine 1072 retained).
Molecular consequence: synonymous variant.
Genome position (GRCh38, 1-based): chr13:112,875,830, C>T. VCF-style: chr13-112875830-C-T. GRCh37 (hg19) VCF-style: chr13-113530144-C-T.
Other names: c.3216C>T, p.Ser1072= (NM_032189.4, NM_001405661.1, NM_001405662.1 and 1 more transcripts).
Identifiers: ClinVar variation 4873932 (VCV004873932.2).